The following is an entry in ClinVar:

ClinVar aggregate classification (germline): Uncertain significance. Review status: criteria provided, multiple submitters, no conflicts (2 of 4 stars). 3 submissions from 3 submitters: Uncertain significance (2). 1 of the submissions does not count toward it. Last evaluated 2025-05-05.

Conditions:
Cardiovascular phenotype. Identifiers: MedGen CN230736.
AKAP9-related disorder. Also called: AKAP9-related condition.
Long QT syndrome (LQTS). Identifiers: MedGen C0023976, MeSH D008133, MONDO:0002442. Disease mechanism: loss of function. Inheritance: Various modes of inheritance.

Allele frequency attached by ClinVar (database versions not stated): gnomAD exomes 0.00002 and 0.00003; TOPMed 0.00002; ExAC 0.00002; gnomAD 0.00002.
gnomAD v4.1: 53 of 1,612,104 alleles (0.0033%); highest among the groups gnomAD compares: Non-Finnish European, 0.004%; no homozygotes.

Submissions (3):

Ambry Genetics
Classification: Uncertain significance for Cardiovascular phenotype. Last evaluated: 2025-05-05. Review status: criteria provided, single submitter. Criteria: Ambry Variant Classification Scheme 2023. Collection method: clinical testing. Allele origin: germline.
Comment: The p.Q1341H variant (also known as c.4023A>T), located in coding exon 14 of the AKAP9 gene, results from an A to T substitution at nucleotide position 4023. The glutamine at codon 1341 is replaced by histidine, an amino acid with highly similar properties. This amino acid position is well conserved in available vertebrate species; however, histidine is the reference amino acid in other vertebrate species. In addition, this alteration is predicted to be tolerated by in silico analysis. Since supporting evidence is limited at this time, the clinical significance of this alteration remains unclear.

Labcorp Genetics (formerly Invitae), Labcorp
Classification: Uncertain significance for Long QT syndrome. Last evaluated: 2021-09-02. Review status: criteria provided, single submitter. Criteria: Invitae Variant Classification Sherloc (09022015). Collection method: clinical testing. Allele origin: germline.
Comment: This sequence change replaces glutamine with histidine at codon 1341 of the AKAP9 protein (p.Gln1341His). The glutamine residue is moderately conserved and there is a small physicochemical difference between glutamine and histidine. This variant is present in population databases (rs765475242, ExAC 0.009%). This variant has not been reported in the literature in individuals affected with AKAP9-related conditions. Algorithms developed to predict the effect of missense changes on protein structure and function output the following: SIFT: "Deleterious"; PolyPhen-2: "Benign"; Align-GVGD: "Class C0". The histidine amino acid residue is found in multiple mammalian species, which suggests that this missense change does not adversely affect protein function. In summary, the available evidence is currently insufficient to determine the role of this variant in disease. Therefore, it has been classified as a Variant of Uncertain Significance.

PreventionGenetics, part of Exact Sciences
Classification: Uncertain significance for AKAP9-related condition. Last evaluated: 2024-04-03. Review status: no assertion criteria provided. Collection method: clinical testing. Allele origin: germline. Not counted in ClinVar's aggregate classification.
Comment: The AKAP9 c.4023A>T variant is predicted to result in the amino acid substitution p.Gln1341His. This variant was reported as a variant of uncertain significance in an individual with long QT syndrome (Bora et al. 2023. PubMed ID: 37901857). This variant is reported in 0.0057% of alleles in individuals of Latino descent in gnomAD. At this time, the clinical significance of this variant is uncertain due to the absence of conclusive functional and genetic evidence.

NM_005751.5(AKAP9):c.4023A>T (p.Gln1341His)

Gene: AKAP9 (A-kinase anchoring protein 9; plus strand). Cytogenetic location: 7q21.2.
Variant type: single nucleotide variant.
Coding change: c.4023A>T on transcript NM_005751.5 (MANE Select); coding-DNA position 4023, A replaced by T.
Protein change: p.Gln1341His; replaces glutamine 1341 with histidine.
Molecular consequence: missense variant.
Genome position (GRCh38, 1-based): chr7:92,022,884, A>T. VCF-style: chr7-92022884-A-T. GRCh37 (hg19) VCF-style: chr7-91652198-A-T.
Other names: c.4023A>T, p.Gln1341His (NM_147185.3); short protein forms Q1341H.
Identifiers: ClinVar variation 1431685 (VCV001431685.9), dbSNP rs765475242, ClinGen allele CA4336464.